The following is an entry in ClinVar:

NM_000238.4(KCNH2):c.2846G>T (p.Ser949Ile)

Gene: KCNH2 (potassium voltage-gated channel subfamily H member 2; minus strand). Cytogenetic location: 7q36.1.
Variant type: single nucleotide variant.
Coding change: c.2846G>T on transcript NM_000238.4 (MANE Select); coding-DNA position 2846, G replaced by T.
Protein change: p.Ser949Ile; replaces serine 949 with isoleucine.
Molecular consequence: missense variant.
Genome position (GRCh38, 1-based): chr7:150,947,725, C>A on the plus strand (G>T on the coding strand, the complement: KCNH2 is on the minus strand). VCF-style: chr7-150947725-C-A. GRCh37 (hg19) VCF-style: chr7-150644813-C-A.
Other names: c.2558G>T, p.Ser853Ile (NM_001406753.1); c.1826G>T, p.Ser609Ile (NM_172057.3); short protein forms S609I, S853I, S949I.
Identifiers: ClinVar variation 2820185 (VCV002820185.3), dbSNP rs1373331941, ClinGen allele CA369853276.

ClinVar aggregate classification (germline): Uncertain significance (1 of 4 stars; one submission).

Conditions:
Long QT syndrome (LQTS). Identifiers: MedGen C0023976, MeSH D008133, MONDO:0002442. Disease mechanism: loss of function. Inheritance: Various modes of inheritance.

Submission:

Labcorp Genetics (formerly Invitae), Labcorp
Classification: Uncertain significance for Long QT syndrome. Last evaluated: 2022-12-13. Review status: criteria provided, single submitter. Criteria: Invitae Variant Classification Sherloc (09022015). Collection method: clinical testing. Allele origin: germline.
Comment: This sequence change replaces serine, which is neutral and polar, with isoleucine, which is neutral and non-polar, at codon 949 of the KCNH2 protein (p.Ser949Ile). This variant is not present in population databases (gnomAD no frequency). This variant has not been reported in the literature in individuals affected with KCNH2-related conditions. Algorithms developed to predict the effect of missense changes on protein structure and function (SIFT, PolyPhen-2, Align-GVGD) all suggest that this variant is likely to be tolerated. In summary, the available evidence is currently insufficient to determine the role of this variant in disease. Therefore, it has been classified as a Variant of Uncertain Significance.